The following is an entry in ClinVar:

ClinVar aggregate classification (germline): Uncertain significance (1 of 4 stars; one submission).

Allele frequency attached by ClinVar (database versions not stated): gnomAD exomes 0.00001.

Submission:

Labcorp Genetics (formerly Invitae), Labcorp
Classification: Uncertain significance. Last evaluated: 2024-03-09. Review status: criteria provided, single submitter. Criteria: Invitae Variant Classification Sherloc (09022015). Collection method: clinical testing. Allele origin: germline.
Comment: This sequence change replaces valine, which is neutral and non-polar, with methionine, which is neutral and non-polar, at codon 263 of the IRF4 protein (p.Val263Met). This variant is not present in population databases (gnomAD no frequency). This variant has not been reported in the literature in individuals affected with IRF4-related conditions. ClinVar contains an entry for this variant (Variation ID: 1472881). An algorithm developed to predict the effect of missense changes on protein structure and function (PolyPhen-2) suggests that this variant is likely to be disruptive. In summary, the available evidence is currently insufficient to determine the role of this variant in disease. Therefore, it has been classified as a Variant of Uncertain Significance.

NM_002460.4(IRF4):c.787G>A (p.Val263Met)

Gene: IRF4 (interferon regulatory factor 4; plus strand). Cytogenetic location: 6p25.3.
Variant type: single nucleotide variant.
Coding change: c.787G>A on transcript NM_002460.4 (MANE Select); coding-DNA position 787, G replaced by A.
Protein change: p.Val263Met; replaces valine 263 with methionine.
Molecular consequence: missense variant. On other transcripts: non-coding transcript variant (1).
Genome position (GRCh38, 1-based): chr6:401,465, G>A. VCF-style: chr6-401465-G-A. GRCh37 (hg19) VCF-style: chr6-401465-G-A.
Other names: c.784G>A, p.Val262Met (NM_001195286.2); short protein forms V263M, V262M.
Identifiers: ClinVar variation 1472881 (VCV001472881.8), dbSNP rs2127439842, ClinGen allele CA362548719.